The following is an entry in ClinVar:

NM_000153.4(GALC):c.1251+5G>A

Gene: GALC (galactosylceramidase; minus strand). Cytogenetic location: 14q31.3.
Variant type: single nucleotide variant.
Coding change: c.1251+5G>A on transcript NM_000153.4 (MANE Select); 5 bases into the intron after coding-DNA position 1251, G replaced by A.
Molecular consequence: intron variant.
Genome position (GRCh38, 1-based): chr14:87,950,654, C>T on the plus strand (G>A on the coding strand, the complement: GALC is on the minus strand). VCF-style: chr14-87950654-C-T. GRCh37 (hg19) VCF-style: chr14-88416998-C-T.
Other names: c.1173+5G>A (NM_001201402.2); c.1182+5G>A (NM_001201401.2).
Identifiers: ClinVar variation 1509008 (VCV001509008.6), dbSNP rs755870379, ClinGen allele CA264688577.
Genomic context (GRCh38, chr14:87,950,654, plus strand): 5'-GGCCTGTGACAGAATATATAAATTCTTAAATCAAAACTAAAATAAAGTTAAACATATTTA[C>T]TTACAAAAGATCCCTTAAGAACAAAGGTGGCAAATTGTTGTGACACATTGAAATAAGGAA-3'

ClinVar aggregate classification (germline): Uncertain significance (1 of 4 stars; one submission).

Conditions:
Galactosylceramide beta-galactosidase deficiency. Also called: GALACTOCEREBROSIDASE DEFICIENCY; GALC DEFICIENCY; GLOBOID CELL LEUKOENCEPHALOPATHY; Leukodystrophy, Globoid Cell; Krabbe Disease. Identifiers: Orphanet 487, MedGen C0023521, MONDO:0009499, OMIM 245200.

Submission:

Labcorp Genetics (formerly Invitae), Labcorp
Classification: Uncertain significance for Galactosylceramide beta-galactosidase deficiency. Last evaluated: 2021-05-18. Review status: criteria provided, single submitter. Criteria: Invitae Variant Classification Sherloc (09022015). Collection method: clinical testing. Allele origin: germline.
Comment: In summary, the available evidence is currently insufficient to determine the role of this variant in disease. Therefore, it has been classified as a Variant of Uncertain Significance. Nucleotide substitutions within the consensus splice site are a relatively common cause of aberrant splicing (PMID: 17576681, 9536098). Algorithms developed to predict the effect of sequence changes on RNA splicing suggest that this variant may disrupt the consensus splice site, but this prediction has not been confirmed by published transcriptional studies. This variant has not been reported in the literature in individuals with GALC-related conditions. This variant is not present in population databases (ExAC no frequency). This sequence change falls in intron 11 of the GALC gene. It does not directly change the encoded amino acid sequence of the GALC protein. It affects a nucleotide within the consensus splice site of the intron.

Literature cited by the submitters: PubMed 17576681; PubMed 9536098.